The following is an entry in ClinVar:

ClinVar aggregate classification (germline): Uncertain significance (1 of 4 stars; one submission).

Conditions:
Inborn genetic diseases. Identifiers: MedGen C0950123, MeSH D030342.

gnomAD v4.1: 1 of 1,559,856 alleles (0.000064%); highest among the groups gnomAD compares: Non-Finnish European, 0.000087%; no homozygotes.

Submission:

Ambry Genetics
Classification: Uncertain significance for Inborn genetic diseases. Last evaluated: 2025-08-21. Review status: criteria provided, single submitter. Criteria: Ambry Variant Classification Scheme 2023. Collection method: clinical testing. Allele origin: germline.
Comment: The p.V678L variant (also known as c.2032G>T), located in coding exon 12 of the RECQL4 gene, results from a G to T substitution at nucleotide position 2032. The valine at codon 678 is replaced by leucine, an amino acid with highly similar properties. This amino acid position is conserved. In addition, the in silico prediction for this alteration is inconclusive. Based on the available evidence, the clinical significance of this variant remains unclear.

NM_004260.4(RECQL4):c.2032G>T (p.Val678Leu)

Gene: RECQL4 (RecQ like helicase 4; minus strand). Cytogenetic location: 8q24.3.
Variant type: single nucleotide variant.
Coding change: c.2032G>T on transcript NM_004260.4 (MANE Select); coding-DNA position 2032, G replaced by T.
Protein change: p.Val678Leu; replaces valine 678 with leucine.
Molecular consequence: missense variant. On other transcripts: non-coding transcript variant (3).
Genome position (GRCh38, 1-based): chr8:144,513,954, C>A on the plus strand (G>T on the coding strand, the complement: RECQL4 is on the minus strand). VCF-style: chr8-144513954-C-A. GRCh37 (hg19) VCF-style: chr8-145739338-C-A.
Other names: c.961G>T, p.Val321Leu (NM_001413035.1, NM_001413038.1, NM_001413040.1 and 6 more transcripts); c.2032G>T, p.Val678Leu (NM_001413036.1, NM_001413018.1, NM_001413019.1); c.829G>T, p.Val277Leu (NM_001413037.1); c.2002G>T, p.Val668Leu (NM_001413039.1); c.895G>T, p.Val299Leu (NM_001413041.1, NM_001413027.1, NM_001413030.1 and 1 more transcripts); c.931G>T, p.Val311Leu (NM_001413042.1); c.565G>T, p.Val189Leu (NM_001413043.1); c.1936G>T, p.Val646Leu (NM_001413017.1, NM_001413020.1); and 4 more; short protein forms V321L, V634L, V255L, V277L, V646L, V678L, V189L, V299L.
Identifiers: ClinVar variation 4152425 (VCV004152425.1).
Genomic context (GRCh38, chr8:144,513,954, plus strand): 5'-GGCCCTGCAGGGTCCCCAGAGCACACACACCCACCTGGTCTGTGTCCCTGTCCATGGACA[C>A]GGAAAGGTGCAGGTTGGTGGGAACTGGGGCTGGCCCGTGGAGGTCAGGCTCTTCAGCCAC-3'
Protein context (NP_004251.4, residues 668-688): APVPTNLHLS[Val678Leu]SMDRDTDQAL